The following is an entry in ClinVar:

ClinVar aggregate classification (germline): Likely benign (1 of 4 stars; one submission).

Submission:

CeGaT Center for Human Genetics Tuebingen
Classification: Likely benign. Last evaluated: 2026-06-01. Review status: criteria provided, single submitter. Criteria: CeGaT Center For Human Genetics Tuebingen Variant Classification Criteria Version 2. Collection method: clinical testing. Allele origin: germline. Affected: yes. Observed: 1 variant allele.
Comment: FLG: BP4, BP7

NM_002016.2(FLG):c.3306C>T (p.Ser1102=)

Genes: CCDST (cervical cancer associated DHX9 suppressive transcript; plus strand), FLG (filaggrin; minus strand). Cytogenetic location: 1q21.3.
Variant type: single nucleotide variant.
Coding change: c.3306C>T on transcript NM_002016.2 (MANE Select); coding-DNA position 3306, C replaced by T.
Protein change: p.Ser1102=; no amino-acid change (serine 1102 retained).
Molecular consequence: synonymous variant.
Genome position (GRCh38, 1-based): chr1:152,311,580, G>A on the plus strand (C>T on the coding strand, the complement: FLG is on the minus strand). VCF-style: chr1-152311580-G-A. GRCh37 (hg19) VCF-style: chr1-152284056-G-A.
Identifiers: ClinVar variation 4872136 (VCV004872136.2).